The following is an entry in ClinVar:

ClinVar aggregate classification (germline): Uncertain significance (1 of 4 stars; one submission).

Conditions:
Cardiovascular phenotype. Identifiers: MedGen CN230736.

Submission:

Ambry Genetics
Classification: Uncertain significance for Cardiovascular phenotype. Last evaluated: 2023-04-24. Review status: criteria provided, single submitter. Criteria: Ambry Variant Classification Scheme 2023. Collection method: clinical testing. Allele origin: germline.
Comment: The p.S126L variant (also known as c.377C>T), located in coding exon 1 of the DOLK gene, results from a C to T substitution at nucleotide position 377. The serine at codon 126 is replaced by leucine, an amino acid with dissimilar properties. This amino acid position is conserved. In addition, this alteration is predicted to be deleterious by in silico analysis. Since supporting evidence is limited at this time, the clinical significance of this alteration remains unclear.

NM_014908.4(DOLK):c.377C>T (p.Ser126Leu)

Gene: DOLK (dolichol kinase; minus strand). Cytogenetic location: 9q34.11.
Variant type: single nucleotide variant.
Coding change: c.377C>T on transcript NM_014908.4 (MANE Select); coding-DNA position 377, C replaced by T.
Protein change: p.Ser126Leu; replaces serine 126 with leucine.
Molecular consequence: missense variant.
Genome position (GRCh38, 1-based): chr9:128,946,927, G>A on the plus strand (C>T on the coding strand, the complement: DOLK is on the minus strand). VCF-style: chr9-128946927-G-A. GRCh37 (hg19) VCF-style: chr9-131709206-G-A.
Other names: short protein forms S126L.
Identifiers: ClinVar variation 2563475 (VCV002563475.2), dbSNP rs2492005233, ClinGen allele CA375126099.